The following is an entry in ClinVar:

ClinVar aggregate classification (germline): Uncertain significance (1 of 4 stars; one submission).

Submission:

Labcorp Genetics (formerly Invitae), Labcorp
Classification: Uncertain significance. Last evaluated: 2021-08-28. Review status: criteria provided, single submitter. Criteria: Invitae Variant Classification Sherloc (09022015). Collection method: clinical testing. Allele origin: germline.
Comment: In summary, the available evidence is currently insufficient to determine the role of this variant in disease. Therefore, it has been classified as a Variant of Uncertain Significance. Algorithms developed to predict the effect of missense changes on protein structure and function are either unavailable or do not agree on the potential impact of this missense change (SIFT: "Not Available"; PolyPhen-2: "Benign"; Align-GVGD: "Not Available"). This variant has not been reported in the literature in individuals affected with ZNF143-related conditions. This sequence change replaces valine with aspartic acid at codon 481 of the ZNF143 protein (p.Val481Asp). The valine residue is moderately conserved and there is a large physicochemical difference between valine and aspartic acid.

NM_003442.6(ZNF143):c.1442_1443delinsAC (p.Val481Asp)

Gene: ZNF143 (zinc finger protein 143; plus strand). Cytogenetic location: 11p15.4.
Variant type: Indel.
Coding change: c.1442_1443delinsAC on transcript NM_003442.6 (MANE Select); coding-DNA positions 1442 to 1443, TT replaced by AC.
Protein change: p.Val481Asp; replaces valine 481 with aspartic acid.
Molecular consequence: missense variant.
Genome position (GRCh38, 1-based): chr11:9,512,514-9,512,515, TT replaced by AC. VCF-style: chr11-9512514-TT-AC. GRCh37 (hg19) VCF-style: chr11-9534061-TT-AC.
Other names: c.1439_1440delinsAC, p.Val480Asp (NM_001282656.2); c.1349_1350delinsAC, p.Val450Asp (NM_001282657.2); short protein forms V450D, V480D, V481D.
Identifiers: ClinVar variation 1476605 (VCV001476605.6), dbSNP rs2134181585, ClinGen allele CA2573147175.
Genomic context (GRCh38, chr11:9,512,514, plus strand): 5'-GTGAAGATGTTCTTAAAGGGTCCCAGATTACGTATGTTACAGGTGTAGAAGGGGACGACG[TT>AC]GTTTCTACACAAGTAGCCACAGTAACCCAATCTGGACTGAGTCAACAAGTTACACTCATA-3'
Protein context (NP_003433.3, residues 471-491): TYVTGVEGDD[Val481Asp]VSTQVATVTQ